The following is an entry in ClinVar:

NM_004380.3(CREBBP):c.1451C>T (p.Ala484Val)

Gene: CREBBP (CREB binding lysine acetyltransferase; minus strand). Cytogenetic location: 16p13.3.
Variant type: single nucleotide variant.
Coding change: c.1451C>T on transcript NM_004380.3 (MANE Select); coding-DNA position 1451, C replaced by T.
Protein change: p.Ala484Val; replaces alanine 484 with valine.
Molecular consequence: missense variant.
Genome position (GRCh38, 1-based): chr16:3,782,806, G>A on the plus strand (C>T on the coding strand, the complement: CREBBP is on the minus strand). VCF-style: chr16-3782806-G-A. GRCh37 (hg19) VCF-style: chr16-3832807-G-A.
Other names: c.1337C>T, p.Ala446Val (NM_001079846.1); short protein forms A446V, A484V.
Identifiers: ClinVar variation 2726332 (VCV002726332.3), dbSNP rs2141252501, ClinGen allele CA394557665.
Genomic context (GRCh38, chr16:3,782,806, plus strand): 5'-ACCTGAGGCTGCAGCTGCGTCTGGGGCTGGTTCATGTAGGGGAGTCCGAGAGCAGCATAG[G>A]CTCGCTGCATGGAGCTGGGGTCTATGGGATTTGGGTTACTTAAAGAAGTGGCATTCTGTT-3'
Protein context (NP_004371.2, residues 474-494): NPIDPSSMQR[Ala484Val]YAALGLPYMN

ClinVar aggregate classification (germline): Uncertain significance (1 of 4 stars; one submission).

Conditions:
Rubinstein-Taybi syndrome (RSTS). Identifiers: Orphanet 783, MedGen C0035934, MONDO:0019188.

Submission:

Labcorp Genetics (formerly Invitae), Labcorp
Classification: Uncertain significance for Rubinstein-Taybi syndrome. Last evaluated: 2023-06-23. Review status: criteria provided, single submitter. Criteria: Invitae Variant Classification Sherloc (09022015). Collection method: clinical testing. Allele origin: germline.
Comment: This sequence change replaces alanine, which is neutral and non-polar, with valine, which is neutral and non-polar, at codon 484 of the CREBBP protein (p.Ala484Val). This variant is not present in population databases (gnomAD no frequency). This variant has not been reported in the literature in individuals affected with CREBBP-related conditions. Advanced modeling of protein sequence and biophysical properties (such as structural, functional, and spatial information, amino acid conservation, physicochemical variation, residue mobility, and thermodynamic stability) performed at Invitae indicates that this missense variant is expected to disrupt CREBBP protein function. In summary, the available evidence is currently insufficient to determine the role of this variant in disease. Therefore, it has been classified as a Variant of Uncertain Significance.